The following is an entry in ClinVar:

ClinVar aggregate classification (germline): Uncertain significance (1 of 4 stars; one submission).

Submission:

Labcorp Genetics (formerly Invitae), Labcorp
Classification: Uncertain significance. Last evaluated: 2022-02-05. Review status: criteria provided, single submitter. Criteria: Invitae Variant Classification Sherloc (09022015). Collection method: clinical testing. Allele origin: germline.
Comment: This variant is not present in population databases (gnomAD no frequency). This variant has not been reported in the literature in individuals affected with RPSA-related conditions. Algorithms developed to predict the effect of missense changes on protein structure and function are either unavailable or do not agree on the potential impact of this missense change (SIFT: "Deleterious"; PolyPhen-2: "Benign"; Align-GVGD: "Class C0"). In summary, the available evidence is currently insufficient to determine the role of this variant in disease. Therefore, it has been classified as a Variant of Uncertain Significance. This sequence change replaces arginine, which is basic and polar, with glycine, which is neutral and non-polar, at codon 120 of the RPSA protein (p.Arg120Gly).

NM_002295.6(RPSA):c.358C>G (p.Arg120Gly)

Gene: RPSA (ribosomal protein SA; plus strand). Cytogenetic location: 3p22.1.
Variant type: single nucleotide variant.
Coding change: c.358C>G on transcript NM_002295.6 (MANE Select); coding-DNA position 358, C replaced by G.
Protein change: p.Arg120Gly; replaces arginine 120 with glycine.
Molecular consequence: missense variant.
Genome position (GRCh38, 1-based): chr3:39,410,859, C>G. VCF-style: chr3-39410859-C-G. GRCh37 (hg19) VCF-style: chr3-39452350-C-G.
Other names: c.373C>G, p.Arg125Gly (NM_001304288.2); short protein forms R125G, R120G.
Identifiers: ClinVar variation 1485517 (VCV001485517.8), dbSNP rs778398856, ClinGen allele CA352213086.